The following is an entry in ClinVar:

ClinVar aggregate classification (germline): Pathogenic. Review status: criteria provided, multiple submitters, no conflicts (2 of 4 stars). 2 submissions from 2 submitters: Pathogenic (2). Last evaluated 2025-02-27.

Conditions:
Leukocyte adhesion deficiency 1 (LAD1). Also called: LAD 1; Lymphocyte function-associated antigen 1 immunodeficiency; LFA 1 immunodeficiency; LEUKOCYTE ADHESION DEFICIENCY, TYPE I. Identifiers: Orphanet 2968, Orphanet 99842, MedGen C0398738, MONDO:0007293, OMIM 116920.

Allele frequency attached by ClinVar (database versions not stated): gnomAD exomes below 0.00001.

Submissions (2):

Labcorp Genetics (formerly Invitae), Labcorp
Classification: Pathogenic for Leukocyte adhesion deficiency 1. Last evaluated: 2025-02-27. Review status: criteria provided, single submitter. Criteria: Invitae Variant Classification Sherloc (09022015). Collection method: clinical testing. Allele origin: germline.
Comment: This sequence change creates a premature translational stop signal (p.Gln422*) in the ITGB2 gene. It is expected to result in an absent or disrupted protein product. Loss-of-function variants in ITGB2 are known to be pathogenic (PMID: 22134107, 25703682). This variant is not present in population databases (gnomAD no frequency). This premature translational stop signal has been observed in individual(s) with leukocyte adhesion deficiency (PMID: 25703682). ClinVar contains an entry for this variant (Variation ID: 632067). For these reasons, this variant has been classified as Pathogenic.

CeGaT Center for Human Genetics Tuebingen
Classification: Pathogenic. Last evaluated: 2024-02-01. Review status: criteria provided, single submitter. Criteria: CeGaT Center For Human Genetics Tuebingen Variant Classification Criteria Version 2. Collection method: clinical testing. Allele origin: germline. Affected: yes. Observed: 4 variant alleles.
Comment: ITGB2: PVS1, PM3:Strong, PM2

Literature cited by the submitters: PubMed 22134107 (cited by Labcorp Genetics (formerly Invitae), Labcorp); PubMed 25703682 (cited by Labcorp Genetics (formerly Invitae), Labcorp).

NM_000211.5(ITGB2):c.1264C>T (p.Gln422Ter)

Gene: ITGB2 (integrin subunit beta 2; minus strand). Cytogenetic location: 21q22.3.
Variant type: single nucleotide variant.
Coding change: c.1264C>T on transcript NM_000211.5 (MANE Select); coding-DNA position 1264, C replaced by T.
Protein change: p.Gln422Ter; replaces glutamine 422 with a stop codon.
Molecular consequence: nonsense.
Genome position (GRCh38, 1-based): chr21:44,891,957, G>A on the plus strand (C>T on the coding strand, the complement: ITGB2 is on the minus strand). VCF-style: chr21-44891957-G-A. GRCh37 (hg19) VCF-style: chr21-46311872-G-A.
Other names: c.1264C>T (LRG_76t1); c.1264C>T, p.Gln422Ter (NM_001127491.3); c.1057C>T, p.Gln353Ter (NM_001303238.2); short protein forms Q422*, Q353*.
Identifiers: ClinVar variation 632067 (VCV000632067.50), dbSNP rs1568883795, ClinGen allele CA410485445.
Genomic context (GRCh38, chr21:44,891,957, plus strand): 5'-GAACCTGCACGGTCACTATGTCCGTGAAGCCCAGCGCCCGGATGACAAACGACTGCTCCT[G>A]GATGCACTCTGTGGCCGTGACCTTCACCTGGAAGGTGATCTGCAGGGCAGTGCTGGGCTC-3'